The following is an entry in ClinVar:

NM_173651.4(FSIP2):c.18188A>C (p.Lys6063Thr)

Gene: FSIP2 (fibrous sheath interacting protein 2; plus strand). Cytogenetic location: 2q32.1.
Variant type: single nucleotide variant.
Coding change: c.18188A>C on transcript NM_173651.4 (MANE Select); coding-DNA position 18188, A replaced by C.
Protein change: p.Lys6063Thr; replaces lysine 6063 with threonine.
Molecular consequence: missense variant.
Genome position (GRCh38, 1-based): chr2:185,807,494, A>C. VCF-style: chr2-185807494-A-C. GRCh37 (hg19) VCF-style: chr2-186672221-A-C.
Other names: c.18455A>C (NM_173651.2); short protein forms K6063T.
Identifiers: ClinVar variation 1049257 (VCV001049257.2), dbSNP rs779471913, ClinGen allele CA2017521.

ClinVar aggregate classification (germline): Uncertain significance. Review status: criteria provided, single submitter (1 of 4 stars). 2 submissions from 2 submitters: Uncertain significance (1). 1 of the submissions does not count toward it. Last evaluated 2025-04-19.

Allele frequency attached by ClinVar (database versions not stated): gnomAD 0.00004; ExAC 0.00001; TOPMed 0.00007; gnomAD exomes 0.00003 and 0.00002.
gnomAD v4.1: 49 of 1,611,978 alleles (0.003%); highest among the groups gnomAD compares: Middle Eastern, 0.033%; no homozygotes.

Submissions (2):

Ambry Genetics
Classification: Uncertain significance. Last evaluated: 2025-04-19. Review status: criteria provided, single submitter. Criteria: Ambry Variant Classification Scheme 2023. Collection method: clinical testing. Allele origin: germline.

Department of Pathology and Laboratory Medicine, Sinai Health System
Classification: Uncertain significance. Review status: no assertion criteria provided. Collection method: clinical testing. Allele origin: unknown. Affected: yes. Study: The Canadian Open Genetics Repository (COGR). Not counted in ClinVar's aggregate classification.
Comment: The FSIP2 p.K6063T variant was not identified in the literature nor was it identified in ClinVar. The variant was identified in dbSNP (ID: rs779471913) and in control databases in 6 of 244176 chromosomes at a frequency of 0.00002457 (Genome Aggregation Database March 6, 2019, v2.1.1). The variant was observed in the following populations: African in 1 of 15388 chromosomes (freq: 0.000065), Latino in 2 of 34318 chromosomes (freq: 0.000058) and European (non-Finnish) in 3 of 108908 chromosomes (freq: 0.000028), but was not observed in the Ashkenazi Jewish, East Asian, European (Finnish), Other, or South Asian populations. The p.K6063 residue is not conserved in mammals and computational analyses (PolyPhen-2, SIFT, MutationTaster, Revel, FATHMM, MetaLR, DANN) do not suggest a high likelihood of impact to the protein; however, this information is not predictive enough to rule out pathogenicity. The variant occurs outside of the splicing consensus sequence and in silico or computational prediction software programs (Splice AI exome) do not predict a difference in splicing. In summary, based on the above information the clinical significance of this variant cannot be determined with certainty at this time. This variant is classified as a variant of uncertain significance.